The following is an entry in ClinVar:

NM_030957.4(ADAMTS10):c.2205C>A (p.Phe735Leu)

Gene: ADAMTS10 (ADAM metallopeptidase with thrombospondin type 1 motif 10; minus strand). Cytogenetic location: 19p13.2.
Variant type: single nucleotide variant.
Coding change: c.2205C>A on transcript NM_030957.4 (MANE Select); coding-DNA position 2205, C replaced by A.
Protein change: p.Phe735Leu; replaces phenylalanine 735 with leucine.
Molecular consequence: missense variant.
Genome position (GRCh38, 1-based): chr19:8,586,850, G>T on the plus strand (C>A on the coding strand, the complement: ADAMTS10 is on the minus strand). VCF-style: chr19-8586850-G-T. GRCh37 (hg19) VCF-style: chr19-8651734-G-T.
Other names: c.666C>A, p.Phe222Leu (NM_001282352.2); short protein forms F222L, F735L.
Identifiers: ClinVar variation 1359134 (VCV001359134.6), dbSNP rs2042439652, ClinGen allele CA403750300.

ClinVar aggregate classification (germline): Uncertain significance (1 of 4 stars; one submission).

Submission:

Labcorp Genetics (formerly Invitae), Labcorp
Classification: Uncertain significance. Last evaluated: 2021-10-29. Review status: criteria provided, single submitter. Criteria: Invitae Variant Classification Sherloc (09022015). Collection method: clinical testing. Allele origin: germline.
Comment: In summary, the available evidence is currently insufficient to determine the role of this variant in disease. Therefore, it has been classified as a Variant of Uncertain Significance. Algorithms developed to predict the effect of missense changes on protein structure and function (SIFT, PolyPhen-2, Align-GVGD) all suggest that this variant is likely to be tolerated. This variant has not been reported in the literature in individuals affected with ADAMTS10-related conditions. This variant is not present in population databases (gnomAD no frequency). This sequence change replaces phenylalanine, which is neutral and non-polar, with leucine, which is neutral and non-polar, at codon 735 of the ADAMTS10 protein (p.Phe735Leu).